The following is an entry in ClinVar:

GRCh38/hg38 22q11.21(chr22:20379205-21109441)x1

Genes: AIFM3 (AIF family member 3; plus strand), CRKL (CRK like proto-oncogene, adaptor protein; plus strand), KLHL22 (kelch like family member 22; minus strand), LINC01637 (long independently transcribed non-coding RNA 1637; plus strand), LRRC74B (leucine rich repeat containing 74B; plus strand) and 59 more. Cytogenetic location: 22q11.21.
Variant type: copy number loss.
Change: copy number 1 (one copy instead of two) of chr22:20,379,205-21,109,441 (730.2 kb, GRCh38 coordinates, 1-based), cytogenetic band 22q11.21.
Identifiers: ClinVar variation 4890924 (VCV004890924.1).

ClinVar aggregate classification (germline): Likely pathogenic (1 of 4 stars; one submission).

Submission:

Clinical Genomics Laboratory, Laboratory for Precision Diagnostics, University of Washington
Classification: Likely pathogenic. Last evaluated: 2023-03-10. Review status: criteria provided, single submitter. Criteria: ACMG/ClinGen CNV Guidelines, 2019. Collection method: clinical testing. Allele origin: unknown. Affected: yes. Observed: 1 variant allele.
Comment: The deletion is between breakpoints LCR22B and LCR22D, referred to as a central deletion.

Literature cited by the submitters: PubMed 26278718; PubMed 33363922; PubMed 34221520; PubMed 36360320; PubMed 31543904.